The following is an entry in ClinVar:

ClinVar aggregate classification (germline): Uncertain significance (1 of 4 stars; one submission).

Conditions:
POLD1-related polyposis and colorectal cancer syndrome (CRCS10). Also called: Colorectal cancer 10; Colorectal cancer, susceptibility to, 10; COLORECTAL CANCER, SUSCEPTIBILITY TO, ON CHROMOSOME 19q. Identifiers: Orphanet 220460, MedGen C2675481, MONDO:0012953, OMIM 612591.

Submission:

Labcorp Genetics (formerly Invitae), Labcorp
Classification: Uncertain significance for POLD1-related polyposis and colorectal cancer syndrome. Last evaluated: 2023-08-02. Review status: criteria provided, single submitter. Criteria: Invitae Variant Classification Sherloc (09022015). Collection method: clinical testing. Allele origin: germline.
Comment: This sequence change replaces glutamine, which is neutral and polar, with proline, which is neutral and non-polar, at codon 718 of the POLD1 protein (p.Gln718Pro). This variant is not present in population databases (gnomAD no frequency). This variant has not been reported in the literature in individuals affected with POLD1-related conditions. An algorithm developed to predict the effect of missense changes on protein structure and function (PolyPhen-2) suggests that this variant is likely to be disruptive. Algorithms developed to predict the effect of sequence changes on RNA splicing suggest that this variant may disrupt the consensus splice site. In summary, the available evidence is currently insufficient to determine the role of this variant in disease. Therefore, it has been classified as a Variant of Uncertain Significance.

NM_002691.4(POLD1):c.2153A>C (p.Gln718Pro)

Gene: POLD1 (DNA polymerase delta 1, catalytic subunit; plus strand). Cytogenetic location: 19q13.33.
Variant type: single nucleotide variant.
Coding change: c.2153A>C on transcript NM_002691.4 (MANE Select); coding-DNA position 2153, A replaced by C.
Protein change: p.Gln718Pro; replaces glutamine 718 with proline.
Molecular consequence: missense variant. On other transcripts: non-coding transcript variant (1).
Genome position (GRCh38, 1-based): chr19:50,409,665, A>C. VCF-style: chr19-50409665-A-C. GRCh37 (hg19) VCF-style: chr19-50912922-A-C.
Other names: c.2153A>C, p.Gln718Pro (NM_001256849.1); c.2231A>C, p.Gln744Pro (NM_001308632.1); short protein forms Q718P, Q744P.
Identifiers: ClinVar variation 2749588 (VCV002749588.2), dbSNP rs2122390200, ClinGen allele CA406982738.